The following is an entry in ClinVar:

NM_013432.5(TONSL):c.449-2A>C

Gene: TONSL (tonsoku like, DNA repair protein; minus strand). Cytogenetic location: 8q24.3.
Variant type: single nucleotide variant.
Coding change: c.449-2A>C on transcript NM_013432.5 (MANE Select); the canonical splice acceptor site of the intron before coding-DNA position 449, A replaced by C.
Molecular consequence: splice acceptor variant.
Genome position (GRCh38, 1-based): chr8:144,442,808, T>G on the plus strand (A>C on the coding strand, the complement: TONSL is on the minus strand). VCF-style: chr8-144442808-T-G. GRCh37 (hg19) VCF-style: chr8-145668191-T-G.
Identifiers: ClinVar variation 3348540 (VCV003348540.1).

ClinVar aggregate classification (germline): Likely pathogenic (0 of 4 stars; one submission).

Conditions:
TONSL-related disorder. Also called: TONSL-related condition.

Submission:

PreventionGenetics, part of Exact Sciences
Classification: Likely pathogenic for TONSL-related condition. Last evaluated: 2024-03-23. Review status: no assertion criteria provided. Collection method: clinical testing. Allele origin: germline.
Comment: The TONSL c.449-2A>C variant is predicted to disrupt the AG splice acceptor site and interfere with normal splicing. To our knowledge, this variant has not been reported in the literature or in a large population database, indicating this variant is rare. Variants that disrupt the consensus splice acceptor site in TONSL are expected to be pathogenic. This variant is interpreted as likely pathogenic.